The following is an entry in ClinVar:

ClinVar aggregate classification (germline): Uncertain significance (1 of 4 stars; one submission).

Submission:

GeneDx
Classification: Uncertain significance. Last evaluated: 2024-09-26. Review status: criteria provided, single submitter. Criteria: GeneDx Variant Classification Process June 2021. Collection method: clinical testing. Allele origin: germline. Affected: yes.
Comment: Not observed at significant frequency in large population cohorts (gnomAD); In silico analysis indicates that this missense variant does not alter protein structure/function; Has not been previously published as pathogenic or benign to our knowledge

NM_001080517.3(SETD5):c.3017T>G (p.Val1006Gly)

Gene: SETD5 (SET domain containing 5; plus strand). Cytogenetic location: 3p25.3.
Variant type: single nucleotide variant.
Coding change: c.3017T>G on transcript NM_001080517.3 (MANE Select); coding-DNA position 3017, T replaced by G.
Protein change: p.Val1006Gly; replaces valine 1006 with glycine.
Molecular consequence: missense variant.
Genome position (GRCh38, 1-based): chr3:9,470,751, T>G. VCF-style: chr3-9470751-T-G. GRCh37 (hg19) VCF-style: chr3-9512435-T-G.
Other names: c.2723T>G, p.Val908Gly (NM_001292043.2, NM_001349451.2); short protein forms V1006G, V908G.
Identifiers: ClinVar variation 3774746 (VCV003774746.1).